The following is an entry in ClinVar:

NM_001374353.1(GLI2):c.*1895G>A

Gene: GLI2 (GLI family zinc finger 2; plus strand). Cytogenetic location: 2q14.2.
Variant type: single nucleotide variant.
Coding change: c.*1895G>A on transcript NM_001374353.1 (MANE Select); 1895 bases downstream of the stop codon, G replaced by A.
Molecular consequence: 3 prime UTR variant.
Genome position (GRCh38, 1-based): chr2:120,992,570, G>A. VCF-style: chr2-120992570-G-A. GRCh37 (hg19) VCF-style: chr2-121750146-G-A.
Other names: c.*1895G>A (NM_001371271.1, NM_001374354.1, NM_005270.5).
Identifiers: ClinVar variation 331031 (VCV000331031.5), dbSNP rs76865566, ClinGen allele CA10612025.

ClinVar aggregate classification (germline): Benign (1 of 4 stars; one submission).

Conditions:
Holoprosencephaly 9 (HPE9). Also called: HOLOPROSENCEPHALY WITH MICROPHTHALMIA AND FIRST BRANCHIAL ARCH ANOMALIES; PITUITARY ANOMALIES WITH HOLOPROSENCEPHALY-LIKE FEATURES. Identifiers: Orphanet 2162, MedGen C1835819, MONDO:0012563, OMIM 610829.

Allele frequency attached by ClinVar (database versions not stated): 1000 Genomes Project 0.00060; TOPMed 0.00077; 1000 Genomes Project 30x 0.00078; gnomAD 0.00083.

Submission:

Illumina Laboratory Services, Illumina
Classification: Benign for Holoprosencephaly 9. Last evaluated: 2018-01-12. Review status: criteria provided, single submitter. Criteria: ICSL Variant Classification Criteria 13 December 2019. Collection method: clinical testing. Allele origin: germline.
Comment: This variant was observed in the ICSL laboratory as part of a predisposition screen in an ostensibly healthy population. It had not been previously curated by ICSL or reported in the Human Gene Mutation Database (HGMD: prior to June 1st, 2018), and was therefore a candidate for classification through an automated scoring system. Utilizing variant allele frequency, disease prevalence and penetrance estimates, and inheritance mode, an automated score was calculated to assess if this variant is too frequent to cause the disease. Based on the score and internal cut-off values, a variant classified as benign is not then subjected to further curation. The score for this variant resulted in a classification of benign for this disease.